The following is an entry in ClinVar:

ClinVar aggregate classification (germline): Uncertain significance (1 of 4 stars; one submission).

gnomAD v4.1: 1 of 1,610,260 alleles (0.000062%); highest among the groups gnomAD compares: Non-Finnish European, 0.000085%; no homozygotes.

Submission:

Labcorp Genetics (formerly Invitae), Labcorp
Classification: Uncertain significance. Last evaluated: 2025-03-31. Review status: criteria provided, single submitter. Criteria: Invitae Variant Classification Sherloc (09022015). Collection method: clinical testing. Allele origin: germline.
Comment: This sequence change replaces alanine, which is neutral and non-polar, with threonine, which is neutral and polar, at codon 533 of the SUCO protein (p.Ala533Thr). This variant is not present in population databases (gnomAD no frequency). This variant has not been reported in the literature in individuals affected with SUCO-related conditions. An algorithm developed to predict the effect of missense changes on protein structure and function outputs the following: PolyPhen-2: "Benign". The threonine amino acid residue is found in multiple mammalian species, which suggests that this missense change does not adversely affect protein function. In summary, the available evidence is currently insufficient to determine the role of this variant in disease. Therefore, it has been classified as a Variant of Uncertain Significance.

NM_014283.5(SUCO):c.1597G>A (p.Ala533Thr)

Gene: SUCO (SUN domain containing ossification factor; plus strand). Cytogenetic location: 1q24.3.
Variant type: single nucleotide variant.
Coding change: c.1597G>A on transcript NM_014283.5 (MANE Select); coding-DNA position 1597, G replaced by A.
Protein change: p.Ala533Thr; replaces alanine 533 with threonine.
Molecular consequence: missense variant. On other transcripts: intron variant (1).
Genome position (GRCh38, 1-based): chr1:172,585,887, G>A. VCF-style: chr1-172585887-G-A. GRCh37 (hg19) VCF-style: chr1-172555027-G-A.
Other names: c.1486G>A, p.Ala496Thr (NM_001282750.2); c.2050G>A, p.Ala684Thr (NM_016227.4); c.-31-2873G>A (NM_001282751.2); short protein forms A533T, A496T, A684T.
Identifiers: ClinVar variation 4705072 (VCV004705072.1).